The following is an entry in ClinVar:

ClinVar aggregate classification (germline): Likely benign (0 of 4 stars; one submission).

Conditions:
ABCA2-related disorder. Also called: ABCA2-related condition.

Submission:

PreventionGenetics, part of Exact Sciences
Classification: Likely benign for ABCA2-related condition. Last evaluated: 2019-10-28. Review status: no assertion criteria provided. Collection method: clinical testing. Allele origin: germline.
Comment: This variant is classified as likely benign based on ACMG/AMP sequence variant interpretation guidelines (Richards et al. 2015 PMID: 25741868, with internal and published modifications).

NM_001606.5(ABCA2):c.4785G>C (p.Ser1595=)

Gene: ABCA2 (ATP binding cassette subfamily A member 2; minus strand). Cytogenetic location: 9q34.3.
Variant type: single nucleotide variant.
Coding change: c.4785G>C on transcript NM_001606.5 (MANE Select); coding-DNA position 4785, G replaced by C.
Protein change: p.Ser1595=; no amino-acid change (serine 1595 retained).
Molecular consequence: synonymous variant.
Genome position (GRCh38, 1-based): chr9:137,013,084, C>G on the plus strand (G>C on the coding strand, the complement: ABCA2 is on the minus strand). VCF-style: chr9-137013084-C-G. GRCh37 (hg19) VCF-style: chr9-139907536-C-G.
Other names: c.4782G>C, p.Ser1594= (NM_001411042.1); c.4875G>C, p.Ser1625= (NM_212533.3).
Identifiers: ClinVar variation 3045055 (VCV003045055.2), dbSNP rs974096352, ClinGen allele CA467844662.